The following is an entry in ClinVar:

ClinVar aggregate classification (germline): Conflicting classifications of pathogenicity. Review status: criteria provided, conflicting classifications (1 of 4 stars). 3 submissions from 3 submitters: Uncertain significance (1); Likely benign (1). 1 of the submissions does not count toward it. Last evaluated 2026-01-14.

Conditions:
SMPD1-related disorder. Also called: SMPD1-related condition.
Niemann-Pick disease, type A. Also called: SPHINGOMYELIN LIPIDOSIS; SPHINGOMYELINASE DEFICIENCY; Infantile Neurovisceral ASMD (Niemann-Pick Disease Type A; NPD-A). Identifiers: Orphanet 77292, MedGen C0268242, MONDO:0009756, OMIM 257200. Disease mechanism: loss of function.
Niemann-Pick disease, type B. Also called: Chronic Visceral ASMD (Niemann-Pick Disease Type B; NPD-B). Identifiers: Orphanet 77293, MedGen C0268243, MONDO:0011871, OMIM 607616. Disease mechanism: loss of function.

Allele frequency attached by ClinVar (database versions not stated): gnomAD exomes below 0.00001; ExAC 0.00001; TOPMed 0.00004; gnomAD 0.00005 and 0.00006.
gnomAD v4.1: 9 of 1,613,636 alleles (0.00056%); highest among the groups gnomAD compares: African/African-American, 0.012%; no homozygotes.

Submissions (3):

Labcorp Genetics (formerly Invitae), Labcorp
Classification: Likely benign for Niemann-Pick disease, type B; Niemann-Pick disease, type A. Last evaluated: 2026-01-14. Review status: criteria provided, single submitter. Criteria: Invitae Variant Classification Sherloc (09022015). Collection method: clinical testing. Allele origin: germline.

Illumina Laboratory Services, Illumina
Classification: Uncertain significance for Niemann-Pick disease, type A. Last evaluated: 2018-01-12. Review status: criteria provided, single submitter. Criteria: ICSL Variant Classification Criteria 13 December 2019. Collection method: clinical testing. Allele origin: germline.

PreventionGenetics, part of Exact Sciences
Classification: Likely benign for SMPD1-related condition. Last evaluated: 2023-12-06. Review status: no assertion criteria provided. Collection method: clinical testing. Allele origin: germline. Not counted in ClinVar's aggregate classification.
Comment: This variant is classified as likely benign based on ACMG/AMP sequence variant interpretation guidelines (Richards et al. 2015 PMID: 25741868, with internal and published modifications).

NM_000543.5(SMPD1):c.1335A>G (p.Val445=)

Gene: SMPD1 (sphingomyelin phosphodiesterase 1; plus strand). Cytogenetic location: 11p15.4.
Variant type: single nucleotide variant.
Coding change: c.1335A>G on transcript NM_000543.5 (MANE Select); coding-DNA position 1335, A replaced by G.
Protein change: p.Val445=; no amino-acid change (valine 445 retained).
Molecular consequence: synonymous variant. On other transcripts: non-coding transcript variant (2).
Genome position (GRCh38, 1-based): chr11:6,393,688, A>G. VCF-style: chr11-6393688-A-G. GRCh37 (hg19) VCF-style: chr11-6414918-A-G.
Other names: c.1332A>G, p.Val444= (NM_001007593.3); c.1335A>G, p.Val445= (NM_001318087.2); c.414A>G, p.Val138= (NM_001318088.2); c.1203A>G, p.Val401= (NM_001365135.2).
Identifiers: ClinVar variation 879583 (VCV000879583.14), dbSNP rs769400504, ClinGen allele CA5852854.